The following is an entry in ClinVar:

ClinVar aggregate classification (germline): Uncertain significance. Review status: criteria provided, multiple submitters, no conflicts (2 of 4 stars). 2 submissions from 2 submitters: Uncertain significance (2). Last evaluated 2025-03-17.

Conditions:
Inborn genetic diseases. Identifiers: MedGen C0950123, MeSH D030342.
Bardet-Biedl syndrome (BBS). Identifiers: Orphanet 110, MedGen C0752166, MONDO:0015229.

Allele frequency attached by ClinVar (database versions not stated): gnomAD exomes below 0.00001; TOPMed 0.00001.
gnomAD v4.1: 2 of 1,614,114 alleles (0.00012%); highest among the groups gnomAD compares: Non-Finnish European, 0.00017%; no homozygotes.

Submissions (2):

Labcorp Genetics (formerly Invitae), Labcorp
Classification: Uncertain significance for Bardet-Biedl syndrome. Last evaluated: 2025-03-17. Review status: criteria provided, single submitter. Criteria: Invitae Variant Classification Sherloc (09022015). Collection method: clinical testing. Allele origin: germline.
Comment: This sequence change replaces aspartic acid, which is acidic and polar, with valine, which is neutral and non-polar, at codon 616 of the BBS2 protein (p.Asp616Val). This variant is present in population databases (no rsID available, gnomAD 0.0009%). This variant has not been reported in the literature in individuals affected with BBS2-related conditions. ClinVar contains an entry for this variant (Variation ID: 2417401). Invitae Evidence Modeling of protein sequence and biophysical properties (such as structural, functional, and spatial information, amino acid conservation, physicochemical variation, residue mobility, and thermodynamic stability) indicates that this missense variant is expected to disrupt BBS2 protein function with a positive predictive value of 80%. In summary, the available evidence is currently insufficient to determine the role of this variant in disease. Therefore, it has been classified as a Variant of Uncertain Significance.

Ambry Genetics
Classification: Uncertain significance for Inborn genetic diseases. Last evaluated: 2023-02-16. Review status: criteria provided, single submitter. Criteria: Ambry Variant Classification Scheme 2023. Collection method: clinical testing. Allele origin: germline.

NM_031885.5(BBS2):c.1847A>T (p.Asp616Val)

Gene: BBS2 (Bardet-Biedl syndrome 2; minus strand). Cytogenetic location: 16q13.
Variant type: single nucleotide variant.
Coding change: c.1847A>T on transcript NM_031885.5 (MANE Select); coding-DNA position 1847, A replaced by T.
Protein change: p.Asp616Val; replaces aspartic acid 616 with valine.
Molecular consequence: missense variant. On other transcripts: non-coding transcript variant (5).
Genome position (GRCh38, 1-based): chr16:56,497,030, T>A on the plus strand (A>T on the coding strand, the complement: BBS2 is on the minus strand). VCF-style: chr16-56497030-T-A. GRCh37 (hg19) VCF-style: chr16-56530942-T-A.
Other names: c.1847A>T (NM_031885.3); c.1847A>T, p.Asp616Val (NM_001377456.1); short protein forms D616V.
Identifiers: ClinVar variation 2417401 (VCV002417401.6), dbSNP rs1320185273, ClinGen allele CA395975577.